The following is an entry in ClinVar:

NM_002972.4(SBF1):c.2726G>A (p.Arg909His)

Gene: SBF1 (SET binding factor 1; minus strand). Cytogenetic location: 22q13.33.
Variant type: single nucleotide variant.
Coding change: c.2726G>A on transcript NM_002972.4 (MANE Select); coding-DNA position 2726, G replaced by A.
Protein change: p.Arg909His; replaces arginine 909 with histidine.
Molecular consequence: missense variant.
Genome position (GRCh38, 1-based): chr22:50,461,636, C>T on the plus strand (G>A on the coding strand, the complement: SBF1 is on the minus strand). VCF-style: chr22-50461636-C-T. GRCh37 (hg19) VCF-style: chr22-50900065-C-T.
Other names: c.2729G>A, p.Arg910His (NM_001365819.1, NM_001410794.1); c.2726G>A, p.Arg909His (NM_001410795.1, NM_197971.1); c.2726G>A (NM_002972.2, NM_002972.3); short protein forms R909H, R910H.
Identifiers: ClinVar variation 2202732 (VCV002202732.6), dbSNP rs774352417, ClinGen allele CA10317073.
Genomic context (GRCh38, chr22:50,461,636, plus strand): 5'-ACGGCGCCCTCAGCTGGGAGCAATGCTGGTCCCCCAGCACTGCCCCCCGCGCCCTCCTCA[C>T]GCCCATCCGGCAGCAGGTAGACGCGCAGGCCGTCCAGCACACACTCCTCACCCGGCAGCA-3'
Protein context (NP_002963.2, residues 899-919): GLRVYLLPDG[Arg909His]EEGAGGSAGG

ClinVar aggregate classification (germline): Uncertain significance. Review status: criteria provided, multiple submitters, no conflicts (2 of 4 stars). 3 submissions from 3 submitters: Uncertain significance (2). 1 of the submissions does not count toward it. Last evaluated 2025-01-09.

Conditions:
SBF1-related disorder. Also called: SBF1-related condition.

Allele frequency attached by ClinVar (database versions not stated): gnomAD exomes 0.00001; ExAC 0.00002.
gnomAD v4.1: 16 of 1,611,188 alleles (0.00099%); highest among the groups gnomAD compares: Admixed American, 0.0083%; no homozygotes.

Submissions (3):

Ambry Genetics
Classification: Uncertain significance. Last evaluated: 2025-01-09. Review status: criteria provided, single submitter. Criteria: Ambry Variant Classification Scheme 2023. Collection method: clinical testing. Allele origin: germline.

Labcorp Genetics (formerly Invitae), Labcorp
Classification: Uncertain significance. Last evaluated: 2024-10-22. Review status: criteria provided, single submitter. Criteria: Invitae Variant Classification Sherloc (09022015). Collection method: clinical testing. Allele origin: germline.
Comment: This sequence change replaces arginine, which is basic and polar, with histidine, which is basic and polar, at codon 909 of the SBF1 protein (p.Arg909His). This variant is present in population databases (rs774352417, gnomAD 0.009%). This variant has not been reported in the literature in individuals affected with SBF1-related conditions. ClinVar contains an entry for this variant (Variation ID: 2202732). Invitae Evidence Modeling of protein sequence and biophysical properties (such as structural, functional, and spatial information, amino acid conservation, physicochemical variation, residue mobility, and thermodynamic stability) indicates that this missense variant is expected to disrupt SBF1 protein function with a positive predictive value of 80%. In summary, the available evidence is currently insufficient to determine the role of this variant in disease. Therefore, it has been classified as a Variant of Uncertain Significance.

PreventionGenetics, part of Exact Sciences
Classification: Uncertain significance for SBF1-related condition. Last evaluated: 2024-07-10. Review status: no assertion criteria provided. Collection method: clinical testing. Allele origin: germline. Not counted in ClinVar's aggregate classification.
Comment: The SBF1 c.2726G>A variant is predicted to result in the amino acid substitution p.Arg909His. To our knowledge, this variant has not been reported in the literature. This variant is reported in 0.0088% of alleles in individuals of Latino descent in gnomAD. At this time, the clinical significance of this variant is uncertain due to the absence of conclusive functional and genetic evidence.